The following is an entry in ClinVar:

NM_001369369.1(FOXN1):c.1168_1169del (p.Glu390fs)

Gene: FOXN1 (forkhead box N1; plus strand). Cytogenetic location: 17q11.2.
Variant type: Microsatellite.
Coding change: c.1168_1169del on transcript NM_001369369.1 (MANE Select); coding-DNA positions 1168 to 1169, 2 bases deleted (GA; older notation c.1168_1169delGA).
Protein change: p.Glu390fs; shifts the reading frame from glutamic acid 390.
Molecular consequence: frameshift variant.
Genome position (GRCh38, 1-based): chr17:28,534,739-28,534,740, GA deleted; deleting any 2 consecutive bases within chr17:28,534,734-28,534,740 gives the same sequence; the c. name uses the placement nearest the transcript's 3' end. VCF-style (leftmost placement, unchanged base first): chr17-28534733-AAG-A. GRCh37 (hg19) VCF-style: chr17-26861751-AAG-A.
Other names: c.1168_1169delGA (NM_003593.2); c.1168_1169del, p.Glu390fs (NM_003593.3); short protein forms E390fs.
Identifiers: ClinVar variation 421435 (VCV000421435.2), dbSNP rs1064795137, ClinGen allele CA16620351.

ClinVar aggregate classification (germline): Uncertain significance (1 of 4 stars; one submission).

Submission:

GeneDx
Classification: Uncertain significance. Last evaluated: 2017-02-13. Review status: criteria provided, single submitter. Criteria: GeneDx Variant Classification (06012015). Collection method: clinical testing. Allele origin: germline. Affected: yes.
Comment: A variant of uncertain significance has been identified in the FOXN1 gene. The c.1168_1169delGA variant has not been published as a pathogenic variant, nor has it been reported as a benign variant to our knowledge. The variant causes a frameshift starting with codon Glutamic acid 390, changes this amino acid to a Lysine residue and creates a premature Stop codon at position 90 of the new reading frame, denoted p.Glu390LysfsX90. This variant is predicted to cause loss of normal protein function either through protein truncation or nonsense-mediated mRNA decay. The variant was not observed in approximately 6,500 individuals of European and African American ancestry in the NHLBI Exome Sequencing Project, indicating it is not a common benign variant in these populations. Variants in FOXN1 are rare, with only one other frameshift variant reported in the Human Gene Mutation Database in association with severe combined immunodeficiency (Stenson et al., 2014). Therefore, based on the currently available information, it is unclear whether this variant is a pathogenic variant or a rare benign variant.